The following is an entry in ClinVar:

ClinVar aggregate classification (germline): Uncertain significance (1 of 4 stars; one submission).

Conditions:
Inborn genetic diseases. Identifiers: MedGen C0950123, MeSH D030342.

Submission:

Ambry Genetics
Classification: Uncertain significance for Inborn genetic diseases. Last evaluated: 2025-11-12. Review status: criteria provided, single submitter. Criteria: Ambry Variant Classification Scheme 2023. Collection method: clinical testing. Allele origin: germline.
Comment: The c.361A>G (p.M121V) alteration is located in exon 4 (coding exon 4) of the VPS16 gene. This alteration results from a A to G substitution at nucleotide position 361, causing the methionine (M) at amino acid position 121 to be replaced by a valine (V). Based on data from gnomAD, the G allele has an overall frequency of <0.001% (1/251426) total alleles studied. The highest observed frequency was 0.003% (1/34586) of Latino alleles. Based on insufficient or conflicting evidence, the clinical significance of this alteration remains unclear.

NM_022575.4(VPS16):c.361A>G (p.Met121Val)

Gene: VPS16 (VPS16 core subunit of CORVET and HOPS complexes; plus strand). Cytogenetic location: 20p13.
Variant type: single nucleotide variant.
Coding change: c.361A>G on transcript NM_022575.4 (MANE Select); coding-DNA position 361, A replaced by G.
Protein change: p.Met121Val; replaces methionine 121 with valine.
Molecular consequence: missense variant.
Genome position (GRCh38, 1-based): chr20:2,860,359, A>G. VCF-style: chr20-2860359-A-G. GRCh37 (hg19) VCF-style: chr20-2841005-A-G.
Other names: c.361A>G, p.Met121Val (NM_080413.3); short protein forms M121V.
Identifiers: ClinVar variation 4634496 (VCV004634496.1).